The following is an entry in ClinVar:

NM_080425.4(GNAS):c.1729A>G (p.Ser577Gly)

Gene: GNAS (GNAS complex locus; plus strand). Cytogenetic location: 20q13.32.
Variant type: single nucleotide variant.
Coding change: c.1729A>G on transcript NM_080425.4 (MANE Plus Clinical); coding-DNA position 1729, A replaced by G.
Protein change: p.Ser577Gly; replaces serine 577 with glycine.
Molecular consequence: missense variant. On other transcripts: synonymous variant (2), intron variant (3).
Genome position (GRCh38, 1-based): chr20:58,854,994, A>G. VCF-style: chr20-58854994-A-G. GRCh37 (hg19) VCF-style: chr20-57430049-A-G.
Other names: c.1542A>G, p.Pro514= (NM_001077490.3, NM_001309883.1); c.1729A>G, p.Ser577Gly (NM_001410913.1); c.*42+14108A>G (NM_016592.5); c.43+14108A>G (NM_001410912.1); c.-39+13119A>G (NM_001309861.2); short protein forms S577G.
Identifiers: ClinVar variation 3039321 (VCV003039321.2), dbSNP rs760823726, ClinGen allele CA9926747.

ClinVar aggregate classification (germline): Likely benign (0 of 4 stars; one submission).

Conditions:
GNAS-related disorder. Identifiers: MedGen CN380105.

Allele frequency attached by ClinVar (database versions not stated): gnomAD 0.00005; ExAC 0.00009; TOPMed 0.00001.
gnomAD v4.1: 58 of 1,612,612 alleles (0.0036%); highest among the groups gnomAD compares: South Asian, 0.061%; 1 homozygote.

Submission:

PreventionGenetics, part of Exact Sciences
Classification: Likely benign for GNAS-related condition. Last evaluated: 2022-02-03. Review status: no assertion criteria provided. Collection method: clinical testing. Allele origin: germline.
Comment: This variant is classified as likely benign based on ACMG/AMP sequence variant interpretation guidelines (Richards et al. 2015 PMID: 25741868, with internal and published modifications).